The following is an entry in ClinVar:

ClinVar aggregate classification (germline): Uncertain significance (1 of 4 stars; one submission).

Conditions:
Alstrom syndrome (ALMS). Identifiers: Orphanet 64, MedGen C0268425, MONDO:0008763, OMIM 203800.

gnomAD v4.1: 3 of 1,614,164 alleles (0.00019%); highest among the groups gnomAD compares: Admixed American, 0.005%; no homozygotes.

Submission:

Labcorp Genetics (formerly Invitae), Labcorp
Classification: Uncertain significance for Alstrom syndrome. Last evaluated: 2022-02-09. Review status: criteria provided, single submitter. Criteria: Invitae Variant Classification Sherloc (09022015). Collection method: clinical testing. Allele origin: germline.
Comment: This sequence change replaces serine with arginine at codon 2741 of the ALMS1 protein (p.Ser2741Arg). The serine residue is moderately conserved and there is a moderate physicochemical difference between serine and arginine. This variant is present in population databases (no rsID available, gnomAD 0.009%). This variant has not been reported in the literature in individuals affected with ALMS1-related conditions. In summary, the available evidence is currently insufficient to determine the role of this variant in disease. Therefore, it has been classified as a Variant of Uncertain Significance.

NM_001378454.1(ALMS1):c.8220C>A (p.Ser2740Arg)

Gene: ALMS1 (ALMS1 centrosome and basal body associated protein; plus strand). Cytogenetic location: 2p13.1.
Variant type: single nucleotide variant.
Coding change: c.8220C>A on transcript NM_001378454.1 (MANE Select); coding-DNA position 8220, C replaced by A.
Protein change: p.Ser2740Arg; replaces serine 2740 with arginine.
Molecular consequence: missense variant.
Genome position (GRCh38, 1-based): chr2:73,490,179, C>A. VCF-style: chr2-73490179-C-A. GRCh37 (hg19) VCF-style: chr2-73717306-C-A.
Other names: c.8223C>A, p.Ser2741Arg (NM_015120.4); short protein forms S2741R, S2740R.
Identifiers: ClinVar variation 1388278 (VCV001388278.3), dbSNP rs920410396, ClinGen allele CA50378264.